The following is an entry in ClinVar:

NM_000295.5(SERPINA1):c.1070T>C (p.Val357Ala)

Gene: SERPINA1 (serpin family A member 1; minus strand). Cytogenetic location: 14q32.13.
Variant type: single nucleotide variant.
Coding change: c.1070T>C on transcript NM_000295.5 (MANE Select); coding-DNA position 1070, T replaced by C.
Protein change: p.Val357Ala; replaces valine 357 with alanine.
Molecular consequence: missense variant.
Genome position (GRCh38, 1-based): chr14:94,378,636, A>G on the plus strand (T>C on the coding strand, the complement: SERPINA1 is on the minus strand). VCF-style: chr14-94378636-A-G. GRCh37 (hg19) VCF-style: chr14-94844973-A-G.
Other names: c.1070T>C, p.Val357Ala (NM_001002235.3, NM_001002236.3, NM_001127700.2 and 7 more transcripts); c.1070T>C (NM_000295.4); short protein forms V357A.
Identifiers: ClinVar variation 827597 (VCV000827597.3), dbSNP rs1595598934, ClinGen allele CA390847846.

ClinVar aggregate classification (germline): Uncertain significance. Review status: criteria provided, multiple submitters, no conflicts (2 of 4 stars). 3 submissions from 3 submitters: Uncertain significance (2). 1 of the submissions does not count toward it. Last evaluated 2025-01-31.

Conditions:
Hereditary angioedema with normal C1Inh. Also called: Hereditary angioneurotic edema with normal C1 esterase inhibitor activity. Identifiers: Orphanet 528647, MedGen C1960459, MONDO:0100567, MONDO:0033947.
Alpha-1-antitrypsin deficiency (A1ATD). Also called: AAT deficiency; A1AT deficiency; Alpha1-Antitrypsin Deficiency. Identifiers: Orphanet 60, MedGen C0221757, MONDO:0013282, OMIM 613490.

Allele frequency attached by ClinVar (database versions not stated): gnomAD exomes below 0.00001.
gnomAD v4.1: 1 of 1,613,920 alleles (0.000062%); highest among the groups gnomAD compares: Non-Finnish European, 0.000085%; no homozygotes.

Submissions (3):

Labcorp Genetics (formerly Invitae), Labcorp
Classification: Uncertain significance for Alpha-1-antitrypsin deficiency. Last evaluated: 2025-01-31. Review status: criteria provided, single submitter. Criteria: Invitae Variant Classification Sherloc (09022015). Collection method: clinical testing. Allele origin: germline.
Comment: This sequence change replaces valine, which is neutral and non-polar, with alanine, which is neutral and non-polar, at codon 357 of the SERPINA1 protein (p.Val357Ala). This variant is not present in population databases (gnomAD no frequency). This variant has not been reported in the literature in individuals affected with SERPINA1-related conditions. ClinVar contains an entry for this variant (Variation ID: 827597). Invitae Evidence Modeling of protein sequence and biophysical properties (such as structural, functional, and spatial information, amino acid conservation, physicochemical variation, residue mobility, and thermodynamic stability) indicates that this missense variant is not expected to disrupt SERPINA1 protein function with a negative predictive value of 80%. In summary, the available evidence is currently insufficient to determine the role of this variant in disease. Therefore, it has been classified as a Variant of Uncertain Significance.

GeneDx
Classification: Uncertain significance. Last evaluated: 2024-09-28. Review status: criteria provided, single submitter. Criteria: GeneDx Variant Classification Process June 2021. Collection method: clinical testing. Allele origin: germline. Affected: yes.
Comment: Not observed at significant frequency in large population cohorts (gnomAD); In silico analysis supports that this missense variant has a deleterious effect on protein structure/function; Has not been previously reported as pathogenic or benign to our knowledge; This variant is associated with the following publications: (PMID: 33114181)

CeMIA
No classification provided. Condition: Hereditary angioedema with normal C1Inh. Last evaluated: 2020-02-01. Review status: no classification provided. Collection method: literature only. Allele origin: germline. Affected: yes. Not counted in ClinVar's aggregate classification.

Literature cited by the submitters: PubMed 33114181 (cited by CeMIA).